The following is an entry in ClinVar:

NM_000463.3(UGT1A1):c.1450T>C (p.Tyr484His)

Genes: UGT1A (UDP glucuronosyltransferase family 1 member A complex locus; plus strand), UGT1A1 (UDP glucuronosyltransferase family 1 member A1; plus strand), UGT1A10 (UDP glucuronosyltransferase family 1 member A10; plus strand), UGT1A3 (UDP glucuronosyltransferase family 1 member A3; plus strand), UGT1A4 (UDP glucuronosyltransferase family 1 member A4; plus strand) and 5 more. Cytogenetic location: 2q37.1.
Variant type: single nucleotide variant.
Coding change: c.1450T>C on transcript NM_000463.3 (MANE Select); coding-DNA position 1450, T replaced by C.
Protein change: p.Tyr484His; replaces tyrosine 484 with histidine.
Molecular consequence: missense variant.
Genome position (GRCh38, 1-based): chr2:233,772,407, T>C. VCF-style: chr2-233772407-T-C. GRCh37 (hg19) VCF-style: chr2-234681053-T-C.
Other names: c.1441T>C, p.Tyr481His (NM_019075.4, NM_019076.5, NM_019077.3 and 1 more transcripts); c.1453T>C, p.Tyr485His (NM_019093.4, NM_019078.2, NM_007120.3); c.1447T>C, p.Tyr483His (NM_001072.4); c.646T>C, p.Tyr216His (NM_205862.3); short protein forms Y216H, Y481H, Y483H, Y484H, Y485H.
Identifiers: ClinVar variation 2634837 (VCV002634837.3), dbSNP rs770903084, ClinGen allele CA2180130.
Genomic context (GRCh38, chr2:233,772,407, plus strand): 5'-TTTGTGATGAGGCACAAGGGCGCGCCACACCTGCGCCCCGCAGCCCACGACCTCACCTGG[T>C]ACCAGTACCATTCCTTGGACGTGATTGGTTTCCTCTTGGCCGTCGTGCTGACAGTGGCCT-3'
Protein context (NP_000454.1, residues 474-494): LRPAAHDLTW[Tyr484His]QYHSLDVIGF

ClinVar aggregate classification (germline): Uncertain significance. Review status: criteria provided, single submitter (1 of 4 stars). 2 submissions from 2 submitters: Uncertain significance (1). 1 of the submissions does not count toward it. Last evaluated 2025-09-04.

Conditions:
UGT1A1-related disorder. Also called: UGT1A1-related disorders; UGT1A1-related condition.

Allele frequency attached by ClinVar (database versions not stated): ExAC 0.00001; gnomAD 0.00001; TOPMed 0.00002; gnomAD exomes 0.00008.
gnomAD v4.1: 121 of 1,614,104 alleles (0.0075%); highest among the groups gnomAD compares: Non-Finnish European, 0.0099%; no homozygotes.

Submissions (2):

Women's Health and Genetics/Laboratory Corporation of America, LabCorp
Classification: Uncertain significance. Last evaluated: 2025-09-04. Review status: criteria provided, single submitter. Criteria: LabCorp Variant Classification Summary - May 2015. Collection method: clinical testing. Allele origin: germline.
Comment: Variant summary: UGT1A1 c.1450T>C (p.Tyr484His) results in a conservative amino acid change in the encoded protein sequence. Algorithms developed to predict the effect of missense changes on protein structure and function all suggest that this variant is likely to be tolerated. The variant allele was found at a frequency of 7.5e-05 in 1607108 control chromosomes, predominantly at a frequency of 9.9e-05 within the Non-Finnish European subpopulation in the gnomAD database (v4.1 dataset). This frequency is not significantly higher than estimated for disease-causing variants in UGT1A1, allowing no conclusion about variant significance. To our knowledge, no occurrence of c.1450T>C in individuals affected with UGT1A1-related conditions and no experimental evidence demonstrating its impact on protein function have been reported. ClinVar contains an entry for this variant (Variation ID: 2634837). Based on the evidence outlined above, the variant was classified as uncertain significance.

PreventionGenetics, part of Exact Sciences
Classification: Uncertain significance for UGT1A1-related condition. Last evaluated: 2024-08-27. Review status: no assertion criteria provided. Collection method: clinical testing. Allele origin: germline. Not counted in ClinVar's aggregate classification.
Comment: The UGT1A1 c.1450T>C variant is predicted to result in the amino acid substitution p.Tyr484His. To our knowledge, this variant has not been reported in the literature. This variant is reported in 0.0054% of alleles in individuals of East Asian descent in gnomAD. At this time, the clinical significance of this variant is uncertain due to the absence of conclusive functional and genetic evidence.